The following is an entry in ClinVar:

ClinVar aggregate classification (germline): Uncertain significance. Review status: criteria provided, multiple submitters, no conflicts (2 of 4 stars). 2 submissions from 2 submitters: Uncertain significance (2). Last evaluated 2025-07-30.

Conditions:
Hereditary cancer-predisposing syndrome. Also called: Tumor predisposition; Hereditary Cancer Syndrome; Hereditary neoplastic syndrome; Neoplastic Syndromes, Hereditary. Identifiers: Orphanet 140162, MedGen C0027672, MeSH D009386, MONDO:0015356.
POLD1-related polyposis and colorectal cancer syndrome (CRCS10). Also called: Colorectal cancer 10; COLORECTAL CANCER, SUSCEPTIBILITY TO, ON CHROMOSOME 19q; Colorectal cancer, susceptibility to, 10. Identifiers: Orphanet 220460, MedGen C2675481, MONDO:0012953, OMIM 612591.

Submissions (2):

Labcorp Genetics (formerly Invitae), Labcorp
Classification: Uncertain significance for POLD1-related polyposis and colorectal cancer syndrome. Last evaluated: 2025-07-30. Review status: criteria provided, single submitter. Criteria: Invitae Variant Classification Sherloc (09022015). Collection method: clinical testing. Allele origin: germline.
Comment: This sequence change replaces methionine, which is neutral and non-polar, with valine, which is neutral and non-polar, at codon 44 of the POLD1 protein (p.Met44Val). This variant is not present in population databases (gnomAD no frequency). This variant has not been reported in the literature in individuals affected with POLD1-related conditions. ClinVar contains an entry for this variant (Variation ID: 844184). An algorithm developed to predict the effect of missense changes on protein structure and function (PolyPhen-2) suggests that this variant is likely to be tolerated. In summary, the available evidence is currently insufficient to determine the role of this variant in disease. Therefore, it has been classified as a Variant of Uncertain Significance.

Ambry Genetics
Classification: Uncertain significance for Hereditary cancer-predisposing syndrome. Last evaluated: 2024-08-07. Review status: criteria provided, single submitter. Criteria: Ambry Variant Classification Scheme 2023. Collection method: clinical testing. Allele origin: germline.
Comment: The p.M44V variant (also known as c.130A>G), located in coding exon 1 of the POLD1 gene, results from an A to G substitution at nucleotide position 130. The methionine at codon 44 is replaced by valine, an amino acid with highly similar properties. This amino acid position is conserved. In addition, this alteration is predicted to be tolerated by in silico analysis. Based on the available evidence, the clinical significance of this variant remains unclear.

NM_002691.4(POLD1):c.130A>G (p.Met44Val)

Gene: POLD1 (DNA polymerase delta 1, catalytic subunit; plus strand). Cytogenetic location: 19q13.33.
Variant type: single nucleotide variant.
Coding change: c.130A>G on transcript NM_002691.4 (MANE Select); coding-DNA position 130, A replaced by G.
Protein change: p.Met44Val; replaces methionine 44 with valine.
Molecular consequence: missense variant. On other transcripts: non-coding transcript variant (1).
Genome position (GRCh38, 1-based): chr19:50,398,981, A>G. VCF-style: chr19-50398981-A-G. GRCh37 (hg19) VCF-style: chr19-50902238-A-G.
Other names: c.130A>G, p.Met44Val (NM_001256849.1, NM_001308632.1); c.130A>G (NM_002691.2); short protein forms M44V.
Identifiers: ClinVar variation 844184 (VCV000844184.8), dbSNP rs2038478768, ClinGen allele CA406970205.